The following is an entry in ClinVar:

NM_016247.4(IMPG2):c.3386C>T (p.Ala1129Val)

Gene: IMPG2 (interphotoreceptor matrix proteoglycan 2; minus strand). Cytogenetic location: 3q12.3.
Variant type: single nucleotide variant.
Coding change: c.3386C>T on transcript NM_016247.4 (MANE Select); coding-DNA position 3386, C replaced by T.
Protein change: p.Ala1129Val; replaces alanine 1129 with valine.
Molecular consequence: missense variant.
Genome position (GRCh38, 1-based): chr3:101,230,993, G>A on the plus strand (C>T on the coding strand, the complement: IMPG2 is on the minus strand). VCF-style: chr3-101230993-G-A. GRCh37 (hg19) VCF-style: chr3-100949837-G-A.
Other names: short protein forms A1129V.
Identifiers: ClinVar variation 2654007 (VCV002654007.24), dbSNP rs781172642, ClinGen allele CA353848344.

ClinVar aggregate classification (germline): Uncertain significance (1 of 4 stars; one submission).

Submission:

CeGaT Center for Human Genetics Tuebingen
Classification: Uncertain significance. Last evaluated: 2023-03-01. Review status: criteria provided, single submitter. Criteria: CeGaT Center For Human Genetics Tuebingen Variant Classification Criteria Version 2. Collection method: clinical testing. Allele origin: germline. Affected: yes. Observed: 1 variant allele.
Comment: IMPG2: PM2, BP4